The following is an entry in ClinVar:

ClinVar aggregate classification (germline): Uncertain significance (1 of 4 stars; one submission).

gnomAD v4.1: 1 of 1,614,164 alleles (0.000062%); highest among the groups gnomAD compares: Non-Finnish European, 0.000085%; no homozygotes.

Submission:

Labcorp Genetics (formerly Invitae), Labcorp
Classification: Uncertain significance. Last evaluated: 2024-03-08. Review status: criteria provided, single submitter. Criteria: Invitae Variant Classification Sherloc (09022015). Collection method: clinical testing. Allele origin: germline.
Comment: This sequence change replaces isoleucine, which is neutral and non-polar, with leucine, which is neutral and non-polar, at codon 52 of the ACO2 protein (p.Ile52Leu). This variant is not present in population databases (gnomAD no frequency). This variant has not been reported in the literature in individuals affected with ACO2-related conditions. ClinVar contains an entry for this variant (Variation ID: 1363391). Advanced modeling of protein sequence and biophysical properties (such as structural, functional, and spatial information, amino acid conservation, physicochemical variation, residue mobility, and thermodynamic stability) performed at Invitae indicates that this missense variant is not expected to disrupt ACO2 protein function with a negative predictive value of 95%. In summary, the available evidence is currently insufficient to determine the role of this variant in disease. Therefore, it has been classified as a Variant of Uncertain Significance.

NM_001098.3(ACO2):c.154A>C (p.Ile52Leu)

Gene: ACO2 (aconitase 2; plus strand). Cytogenetic location: 22q13.2.
Variant type: single nucleotide variant.
Coding change: c.154A>C on transcript NM_001098.3 (MANE Select); coding-DNA position 154, A replaced by C.
Protein change: p.Ile52Leu; replaces isoleucine 52 with leucine.
Molecular consequence: missense variant.
Genome position (GRCh38, 1-based): chr22:41,499,843, A>C. VCF-style: chr22-41499843-A-C. GRCh37 (hg19) VCF-style: chr22-41895847-A-C.
Other names: short protein forms I52L.
Identifiers: ClinVar variation 1363391 (VCV001363391.8), dbSNP rs2146106250, ClinGen allele CA411712075.
Genomic context (GRCh38, chr22:41,499,843, plus strand): 5'-GTGGCGATGAGCCACTTTGAGCCCAACGAGTACATCCATTATGACCTGCTAGAGAAGAAC[A>C]TTAACATTGTTCGCAAACGGTAAGGCTGCAGATGGGAGGCTGTGACTGTCAAGGGCATTG-3'
Protein context (NP_001089.1, residues 42-62): YIHYDLLEKN[Ile52Leu]NIVRKRLNRP